The following is an entry in ClinVar:

ClinVar aggregate classification (germline): Pathogenic (1 of 4 stars; one submission).

Submission:

Labcorp Genetics (formerly Invitae), Labcorp
Classification: Pathogenic. Last evaluated: 2022-12-03. Review status: criteria provided, single submitter. Criteria: Invitae Variant Classification Sherloc (09022015). Collection method: clinical testing. Allele origin: germline.
Comment: For these reasons, this variant has been classified as Pathogenic. This sequence change creates a premature translational stop signal (p.Gln2206Hisfs*59) in the VPS13A gene. It is expected to result in an absent or disrupted protein product. Loss-of-function variants in VPS13A are known to be pathogenic (PMID: 12404112, 21598378). This variant is not present in population databases (gnomAD no frequency). This variant has not been reported in the literature in individuals affected with VPS13A-related conditions.

Literature cited by the submitters: PubMed 12404112; PubMed 21598378.

NM_033305.3(VPS13A):c.6617_6618insTA (p.Gln2206fs)

Gene: VPS13A (vacuolar protein sorting 13 homolog A; plus strand). Cytogenetic location: 9q21.2.
Variant type: Insertion.
Coding change: c.6617_6618insTA on transcript NM_033305.3 (MANE Select); coding-DNA positions 6617 to 6618, TA inserted.
Protein change: p.Gln2206fs; shifts the reading frame from glutamine 2206.
Molecular consequence: frameshift variant.
Genome position: GRCh38 VCF-style: chr9-77339753-C-CAT. GRCh37 (hg19) VCF-style: chr9-79954669-C-CAT.
Other names: c.6500_6501insTA, p.Gln2167fs (NM_001018037.2); c.6617_6618insTA, p.Gln2206fs (NM_001018038.3, NM_015186.4); short protein forms Q2167fs, Q2206fs.
Identifiers: ClinVar variation 2740084 (VCV002740084.3), dbSNP rs2538076180, ClinGen allele CA2690374236.
Genomic context (GRCh38, chr9:77,339,753, plus strand): 5'-GTTACAGAAATGGAAAAGACTGATTTAGATATTGCTGTCCATATGACTTACAATACTGGT[C>CAT]AGACAGTTGTGGCATTTCATAGTCCTTATTGGATGGTCAATAAAACTGGCCGCATGTTAC-3'